The following is an entry in ClinVar:

NM_016816.4(OAS1):c.1072G>C (p.Asp358His)

Gene: OAS1 (2'-5'-oligoadenylate synthetase 1; plus strand). Cytogenetic location: 12q24.13.
Variant type: single nucleotide variant.
Coding change: c.1072G>C on transcript NM_016816.4 (MANE Select); coding-DNA position 1072, G replaced by C.
Protein change: p.Asp358His; replaces aspartic acid 358 with histidine.
Molecular consequence: missense variant. On other transcripts: intron variant (2).
Genome position (GRCh38, 1-based): chr12:112,919,422, G>C. VCF-style: chr12-112919422-G-C. GRCh37 (hg19) VCF-style: chr12-113357227-G-C.
Other names: c.1038+1722G>C (NM_001320151.2); c.1039-65G>C (NM_001032409.3); short protein forms D358H.
Identifiers: ClinVar variation 1477975 (VCV001477975.8), dbSNP rs771818638, ClinGen allele CA386810097.

ClinVar aggregate classification (germline): Uncertain significance (1 of 4 stars; one submission).

gnomAD v4.1: 1 of 1,614,016 alleles (0.000062%); highest among the groups gnomAD compares: Non-Finnish European, 0.000085%; no homozygotes.

Submission:

Labcorp Genetics (formerly Invitae), Labcorp
Classification: Uncertain significance. Last evaluated: 2023-08-17. Review status: criteria provided, single submitter. Criteria: Invitae Variant Classification Sherloc (09022015). Collection method: clinical testing. Allele origin: germline.
Comment: In summary, the available evidence is currently insufficient to determine the role of this variant in disease. Therefore, it has been classified as a Variant of Uncertain Significance. An algorithm developed to predict the effect of missense changes on protein structure and function (PolyPhen-2) suggests that this variant is likely to be tolerated. ClinVar contains an entry for this variant (Variation ID: 1477975). This variant has not been reported in the literature in individuals affected with OAS1-related conditions. This variant is not present in population databases (gnomAD no frequency). This sequence change replaces aspartic acid, which is acidic and polar, with histidine, which is basic and polar, at codon 358 of the OAS1 protein (p.Asp358His).